The following is an entry in ClinVar:

NM_014861.4(ATP2C2):c.2324C>A (p.Pro775Gln)

Genes: ATP2C2 (ATPase secretory pathway Ca2+ transporting 2; plus strand), ATP2C2-AS1 (ATP2C2 antisense RNA 1; minus strand). Cytogenetic location: 16q24.1.
Variant type: single nucleotide variant.
Coding change: c.2324C>A on transcript NM_014861.4 (MANE Select); coding-DNA position 2324, C replaced by A.
Protein change: p.Pro775Gln; replaces proline 775 with glutamine.
Molecular consequence: missense variant. On other transcripts: non-coding transcript variant (1).
Genome position (GRCh38, 1-based): chr16:84,459,377, C>A. VCF-style: chr16-84459377-C-A. GRCh37 (hg19) VCF-style: chr16-84492983-C-A.
Other names: c.2324C>A, p.Pro775Gln (NM_001286527.3); c.1871C>A, p.Pro624Gln (NM_001291454.2); short protein forms P624Q, P775Q.
Identifiers: ClinVar variation 3040688 (VCV003040688.2), dbSNP rs149293999, ClinGen allele CA8208073.

ClinVar aggregate classification (germline): Benign (0 of 4 stars; one submission).

Conditions:
ATP2C2-related disorder. Also called: ATP2C2-related condition.

Allele frequency attached by ClinVar (database versions not stated): ESP Exome Variant Server 0.00170; TOPMed 0.00176; 1000 Genomes Project 30x 0.00297; 1000 Genomes Project 0.00300.
gnomAD v4.1: 517 of 1,614,060 alleles (0.032%); highest among the groups gnomAD compares: African/African-American, 0.58%; 1 homozygote.

Submission:

PreventionGenetics, part of Exact Sciences
Classification: Benign for ATP2C2-related condition. Last evaluated: 2019-04-01. Review status: no assertion criteria provided. Collection method: clinical testing. Allele origin: germline.
Comment: This variant is classified as benign based on ACMG/AMP sequence variant interpretation guidelines (Richards et al. 2015 PMID: 25741868, with internal and published modifications).